The following is an entry in ClinVar:

NM_012478.4(WBP2):c.136A>G (p.Lys46Glu)

Gene: WBP2 (WW domain binding protein 2; minus strand). Cytogenetic location: 17q25.1.
Variant type: single nucleotide variant.
Coding change: c.136A>G on transcript NM_012478.4 (MANE Select); coding-DNA position 136, A replaced by G.
Protein change: p.Lys46Glu; replaces lysine 46 with glutamic acid.
Molecular consequence: missense variant.
Genome position (GRCh38, 1-based): chr17:75,851,600, T>C on the plus strand (A>G on the coding strand, the complement: WBP2 is on the minus strand). VCF-style: chr17-75851600-T-C. GRCh37 (hg19) VCF-style: chr17-73847681-T-C.
Other names: c.136A>G, p.Lys46Glu (NM_001330499.2, NM_001348170.1); short protein forms K46E.
Identifiers: ClinVar variation 1907783 (VCV001907783.5), dbSNP rs149300980, ClinGen allele CA8774030.

ClinVar aggregate classification (germline): Uncertain significance (1 of 4 stars; one submission).

Allele frequency attached by ClinVar (database versions not stated): gnomAD exomes 0.00001; TOPMed 0.00001; ExAC 0.00002; ESP Exome Variant Server 0.00008.
gnomAD v4.1: 6 of 1,613,788 alleles (0.00037%); highest among the groups gnomAD compares: Non-Finnish European, 0.00051%; no homozygotes.

Submission:

Labcorp Genetics (formerly Invitae), Labcorp
Classification: Uncertain significance. Last evaluated: 2024-10-24. Review status: criteria provided, single submitter. Criteria: Invitae Variant Classification Sherloc (09022015). Collection method: clinical testing. Allele origin: germline.
Comment: This sequence change replaces lysine, which is basic and polar, with glutamic acid, which is acidic and polar, at codon 46 of the WBP2 protein (p.Lys46Glu). This variant is present in population databases (rs149300980, gnomAD 0.0009%). This variant has not been reported in the literature in individuals affected with WBP2-related conditions. ClinVar contains an entry for this variant (Variation ID: 1907783). Invitae Evidence Modeling of protein sequence and biophysical properties (such as structural, functional, and spatial information, amino acid conservation, physicochemical variation, residue mobility, and thermodynamic stability) indicates that this missense variant is expected to disrupt WBP2 protein function with a positive predictive value of 80%. In summary, the available evidence is currently insufficient to determine the role of this variant in disease. Therefore, it has been classified as a Variant of Uncertain Significance.